The following is an entry in ClinVar:

ClinVar aggregate classification (germline): Uncertain significance. Review status: criteria provided, multiple submitters, no conflicts (2 of 4 stars). 2 submissions from 2 submitters: Uncertain significance (2). Last evaluated 2024-10-20.

Conditions:
Inborn genetic diseases. Identifiers: MedGen C0950123, MeSH D030342.

Allele frequency attached by ClinVar (database versions not stated): ESP Exome Variant Server 0.00008; TOPMed 0.00012; gnomAD 0.00013 and 0.00015.
gnomAD v4.1: 158 of 1,444,212 alleles (0.011%); highest among the groups gnomAD compares: African/African-American, 0.026%; no homozygotes.

Submissions (2):

Ambry Genetics
Classification: Uncertain significance for Inborn genetic diseases. Last evaluated: 2024-10-20. Review status: criteria provided, single submitter. Criteria: Ambry Variant Classification Scheme 2023. Collection method: clinical testing. Allele origin: germline.

Labcorp Genetics (formerly Invitae), Labcorp
Classification: Uncertain significance. Last evaluated: 2022-09-12. Review status: criteria provided, single submitter. Criteria: Invitae Variant Classification Sherloc (09022015). Collection method: clinical testing. Allele origin: germline.
Comment: This sequence change replaces methionine, which is neutral and non-polar, with valine, which is neutral and non-polar, at codon 36 of the BMPER protein (p.Met36Val). This variant is present in population databases (rs368119843, gnomAD 0.05%). This variant has not been reported in the literature in individuals affected with BMPER-related conditions. ClinVar contains an entry for this variant (Variation ID: 1399303). Algorithms developed to predict the effect of missense changes on protein structure and function (SIFT, PolyPhen-2, Align-GVGD) all suggest that this variant is likely to be tolerated. In summary, the available evidence is currently insufficient to determine the role of this variant in disease. Therefore, it has been classified as a Variant of Uncertain Significance.

NM_001365308.1(BMPER):c.106A>G (p.Met36Val)

Gene: BMPER (BMP binding endothelial regulator; plus strand). Cytogenetic location: 7p14.3.
Variant type: single nucleotide variant.
Coding change: c.106A>G on transcript NM_001365308.1 (MANE Select); coding-DNA position 106, A replaced by G.
Protein change: p.Met36Val; replaces methionine 36 with valine.
Molecular consequence: missense variant.
Genome position (GRCh38, 1-based): chr7:33,905,719, A>G. VCF-style: chr7-33905719-A-G. GRCh37 (hg19) VCF-style: chr7-33945331-A-G.
Other names: c.106A>G, p.Met36Val (NM_133468.5); c.106A>G (NM_133468.3); short protein forms M36V.
Identifiers: ClinVar variation 1399303 (VCV001399303.7), dbSNP rs368119843, ClinGen allele CA4214890.